The following is an entry in ClinVar:

NM_007194.4(CHEK2):c.1096-7A>T

Gene: CHEK2 (checkpoint kinase 2; minus strand). Cytogenetic location: 22q12.1.
Variant type: single nucleotide variant.
Coding change: c.1096-7A>T on transcript NM_007194.4 (MANE Select); 7 bases into the intron before coding-DNA position 1096, A replaced by T.
Molecular consequence: intron variant.
Genome position (GRCh38, 1-based): chr22:28,695,880, T>A on the plus strand (A>T on the coding strand, the complement: CHEK2 is on the minus strand). VCF-style: chr22-28695880-T-A. GRCh37 (hg19) VCF-style: chr22-29091868-T-A.
Other names: c.433-7A>T (NM_001437942.1, NM_001257387.3); c.895-7A>T (NM_001349956.3); c.1009-7A>T (NM_145862.3); c.1102-7A>T (NM_001438295.1); c.1189-7A>T (NM_001438293.1); c.1138-7A>T (NM_001438294.1); c.1225-7A>T (NM_001005735.3).
Identifiers: ClinVar variation 1172251 (VCV001172251.2), dbSNP rs2052567957, ClinGen allele CA2499226064.

ClinVar aggregate classification (germline): Uncertain significance (1 of 4 stars; one submission).

Conditions:
Hereditary cancer-predisposing syndrome. Also called: Tumor predisposition; Hereditary neoplastic syndrome; Hereditary Cancer Syndrome; Neoplastic Syndromes, Hereditary. Identifiers: Orphanet 140162, MedGen C0027672, MeSH D009386, MONDO:0015356.

Submission:

Color Diagnostics, LLC DBA Color Health
Classification: Uncertain significance for Hereditary cancer-predisposing syndrome. Last evaluated: 2020-10-07. Review status: criteria provided, single submitter. Criteria: ACMG Guidelines, 2015. Collection method: clinical testing. Allele origin: germline.
Comment: This variant causes an A to T nucleotide substitution at the -7 position of intron 10 of the CHEK2 gene. To our knowledge, functional studies have not been reported for this variant. This variant has not been reported in individuals affected with hereditary cancer in the literature. This variant has not been identified in the general population by the Genome Aggregation Database (gnomAD). The available evidence is insufficient to determine the role of this variant in disease conclusively. Therefore, this variant is classified as a Variant of Uncertain Significance.